The following is an entry in ClinVar:

NM_016169.4(SUFU):c.92C>T (p.Pro31Leu)

Genes: SUFU (SUFU negative regulator of hedgehog signaling; plus strand), LOC130004614 (ATAC-STARR-seq lymphoblastoid silent region 2764; plus strand). Cytogenetic location: 10q24.32.
Variant type: single nucleotide variant.
Coding change: c.92C>T on transcript NM_016169.4 (MANE Select); coding-DNA position 92, C replaced by T.
Protein change: p.Pro31Leu; replaces proline 31 with leucine.
Molecular consequence: missense variant.
Genome position (GRCh38, 1-based): chr10:102,504,244, C>T. VCF-style: chr10-102504244-C-T. GRCh37 (hg19) VCF-style: chr10-104264001-C-T.
Other names: c.92C>T, p.Pro31Leu (NM_001178133.2); short protein forms P31L.
Identifiers: ClinVar variation 1446503 (VCV001446503.10), dbSNP rs2135598089, ClinGen allele CA377886437.

ClinVar aggregate classification (germline): Uncertain significance. Review status: criteria provided, multiple submitters, no conflicts (2 of 4 stars). 2 submissions from 2 submitters: Uncertain significance (2). Last evaluated 2024-10-29.

Conditions:
Gorlin syndrome. Also called: Basal cell nevus syndrome; Nevoid Basal Cell Carcinoma Syndrome. Identifiers: Orphanet 377, MedGen C0004779, MONDO:0007187.
Medulloblastoma (MDB). Also called: MEDULLOBLASTOMA PREDISPOSITION SYNDROME; Medulloblastoma, somatic. Identifiers: Orphanet 616, MedGen C0025149, MeSH D008527, MONDO:0007959, OMIM 155255, HP:0002885.
Hereditary cancer-predisposing syndrome. Also called: Tumor predisposition; Hereditary neoplastic syndrome; Hereditary Cancer Syndrome; Neoplastic Syndromes, Hereditary. Identifiers: Orphanet 140162, MedGen C0027672, MeSH D009386, MONDO:0015356.

Allele frequency attached by ClinVar (database versions not stated): gnomAD exomes below 0.00001.
gnomAD v4.1: 2 of 1,613,762 alleles (0.00012%); highest among the groups gnomAD compares: Non-Finnish European, 0.00017%; no homozygotes.

Submissions (2):

Labcorp Genetics (formerly Invitae), Labcorp
Classification: Uncertain significance for Gorlin syndrome; Medulloblastoma. Last evaluated: 2024-10-29. Review status: criteria provided, single submitter. Criteria: Invitae Variant Classification Sherloc (09022015). Collection method: clinical testing. Allele origin: germline.
Comment: This sequence change replaces proline, which is neutral and non-polar, with leucine, which is neutral and non-polar, at codon 31 of the SUFU protein (p.Pro31Leu). This variant is not present in population databases (gnomAD no frequency). This variant has not been reported in the literature in individuals affected with SUFU-related conditions. ClinVar contains an entry for this variant (Variation ID: 1446503). Invitae Evidence Modeling of protein sequence and biophysical properties (such as structural, functional, and spatial information, amino acid conservation, physicochemical variation, residue mobility, and thermodynamic stability) has been performed for this missense variant. However, the output from this modeling did not meet the statistical confidence thresholds required to predict the impact of this variant on SUFU protein function. In summary, the available evidence is currently insufficient to determine the role of this variant in disease. Therefore, it has been classified as a Variant of Uncertain Significance.

Ambry Genetics
Classification: Uncertain significance for Hereditary cancer-predisposing syndrome. Last evaluated: 2020-10-29. Review status: criteria provided, single submitter. Criteria: Ambry Variant Classification Scheme 2023. Collection method: clinical testing. Allele origin: germline.
Comment: The p.P31L variant (also known as c.92C>T), located in coding exon 1 of the SUFU gene, results from a C to T substitution at nucleotide position 92. The proline at codon 31 is replaced by leucine, an amino acid with similar properties. This amino acid position is highly conserved in available vertebrate species. In addition, the in silico prediction for this alteration is inconclusive. Since supporting evidence is limited at this time, the clinical significance of this alteration remains unclear.